The following is an entry in ClinVar:

GRCh38/hg38 22q13.1(chr22:38696778-38898386)x1

Genes: CBX6 (chromobox 6; minus strand), DNAL4 (dynein axonemal light chain 4; minus strand), GTPBP1 (GTP binding protein 1; plus strand), JOSD1 (Josephin domain containing 1; minus strand), NPTXR (neuronal pentraxin receptor; minus strand) and 17 more. Cytogenetic location: 22q13.1.
Variant type: copy number loss.
Change: copy number 1 (one copy instead of two) of chr22:38,696,778-38,898,386 (201.6 kb, GRCh38 coordinates, 1-based), cytogenetic band 22q13.1.
Identifiers: ClinVar variation 60013 (VCV000060013.1).

ClinVar aggregate classification (germline): Uncertain significance (1 of 4 stars; one submission).

Submission:

ISCA site 14
Classification: Uncertain significance. Last evaluated: 2011-08-12. Review status: criteria provided, single submitter. Criteria: Kaminsky et al. (Genet Med. 2011). Collection method: clinical testing. Allele origin: de novo. Affected: yes. Observed: 1 variant allele.
Comment: Copy number variation identified through the course of routine clinical cytogenomic testing in postnatal populations. Clinical assertions have been curated as described in Kaminsky et al. 2011.